The following is an entry in ClinVar:

NM_001145026.2(PTPRQ):c.3112A>G (p.Asn1038Asp)

Gene: PTPRQ (protein tyrosine phosphatase receptor type Q; plus strand). Cytogenetic location: 12q21.31.
Variant type: single nucleotide variant.
Coding change: c.3112A>G on transcript NM_001145026.2 (MANE Select); coding-DNA position 3112, A replaced by G.
Protein change: p.Asn1038Asp; replaces asparagine 1038 with aspartic acid.
Molecular consequence: missense variant.
Genome position (GRCh38, 1-based): chr12:80,539,902, A>G. VCF-style: chr12-80539902-A-G. GRCh37 (hg19) VCF-style: chr12-80933681-A-G.
Other names: short protein forms N1038D.
Identifiers: ClinVar variation 1711351 (VCV001711351.30), dbSNP rs2541600752, ClinGen allele CA385871984.

ClinVar aggregate classification (germline): Uncertain significance (1 of 4 stars; one submission).

Submission:

CeGaT Center for Human Genetics Tuebingen
Classification: Uncertain significance. Last evaluated: 2022-08-01. Review status: criteria provided, single submitter. Criteria: CeGaT Center For Human Genetics Tuebingen Variant Classification Criteria Version 2. Collection method: clinical testing. Allele origin: germline. Affected: yes. Observed: 1 variant allele.
Comment: PTPRQ: PM2, BP4